The following is an entry in ClinVar:

NM_005585.5(SMAD6):c.292G>T (p.Ala98Ser)

Gene: SMAD6 (SMAD family member 6; plus strand). Cytogenetic location: 15q22.31.
Variant type: single nucleotide variant.
Coding change: c.292G>T on transcript NM_005585.5 (MANE Select); coding-DNA position 292, G replaced by T.
Protein change: p.Ala98Ser; replaces alanine 98 with serine.
Molecular consequence: missense variant. On other transcripts: non-coding transcript variant (1).
Genome position (GRCh38, 1-based): chr15:66,703,550, G>T. VCF-style: chr15-66703550-G-T. GRCh37 (hg19) VCF-style: chr15-66995888-G-T.
Other names: short protein forms A98S.
Identifiers: ClinVar variation 665691 (VCV000665691.8), dbSNP rs1383502178, ClinGen allele CA392949198.

ClinVar aggregate classification (germline): Uncertain significance (1 of 4 stars; one submission).

Conditions:
Aortic valve disease 2 (AOVD2). Identifiers: MedGen C3542024, MONDO:0013902, OMIM 614823.

gnomAD v4.1: 1 of 1,221,868 alleles (0.000082%); no homozygotes.

Submission:

Labcorp Genetics (formerly Invitae), Labcorp
Classification: Uncertain significance for Aortic valve disease 2. Last evaluated: 2018-11-30. Review status: criteria provided, single submitter. Criteria: Invitae Variant Classification Sherloc (09022015). Collection method: clinical testing. Allele origin: germline.
Comment: In summary, the available evidence is currently insufficient to determine the role of this variant in disease. Therefore, it has been classified as a Variant of Uncertain Significance. Algorithms developed to predict the effect of missense changes on protein structure and function (SIFT, PolyPhen-2, Align-GVGD) all suggest that this variant is likely to be tolerated, but these predictions have not been confirmed by published functional studies and their clinical significance is uncertain. This variant has not been reported in the literature in individuals with SMAD6-related conditions. The frequency data for this variant in the population databases is considered unreliable, as metrics indicate insufficient coverage at this position in the ExAC database. This sequence change replaces alanine with serine at codon 98 of the SMAD6 protein (p.Ala98Ser). The alanine residue is moderately conserved and there is a moderate physicochemical difference between alanine and serine.